The following is an entry in ClinVar:

NM_000038.6(APC):c.5270C>A (p.Ser1757Tyr)

Gene: APC (APC regulator of Wnt signaling pathway; plus strand). Cytogenetic location: 5q22.2.
Variant type: single nucleotide variant.
Coding change: c.5270C>A on transcript NM_000038.6 (MANE Select); coding-DNA position 5270, C replaced by A.
Protein change: p.Ser1757Tyr; replaces serine 1757 with tyrosine.
Molecular consequence: missense variant.
Genome position (GRCh38, 1-based): chr5:112,840,864, C>A. VCF-style: chr5-112840864-C-A. GRCh37 (hg19) VCF-style: chr5-112176561-C-A.
Other names: c.5270C>A, p.Ser1757Tyr (NM_001127510.3, NM_001354895.2, NM_001407450.1); c.5216C>A, p.Ser1739Tyr (NM_001127511.3); c.5324C>A, p.Ser1775Tyr (NM_001354896.2, NM_001407447.1, NM_001407448.1 and 1 more transcripts); c.5300C>A, p.Ser1767Tyr (NM_001354897.2); c.5195C>A, p.Ser1732Tyr (NM_001354898.2); c.5186C>A, p.Ser1729Tyr (NM_001354899.2); c.5147C>A, p.Ser1716Tyr (NM_001354900.2); c.5093C>A, p.Ser1698Tyr (NM_001354901.2, NM_001407453.1); and 11 more; short protein forms S1674Y, S1750Y, S1628Y, S1656Y, S1666Y, S1716Y, S1631Y, S1729Y.
Identifiers: ClinVar variation 1746513 (VCV001746513.7), dbSNP rs1169261272, ClinGen allele CA16032851.

ClinVar aggregate classification (germline): Uncertain significance. Review status: criteria provided, multiple submitters, no conflicts (2 of 4 stars). 4 submissions from 4 submitters: Uncertain significance (4). Last evaluated 2025-04-13.

Conditions:
Hereditary cancer-predisposing syndrome. Also called: Hereditary Cancer Syndrome; Neoplastic Syndromes, Hereditary; Tumor predisposition; Hereditary neoplastic syndrome. Identifiers: Orphanet 140162, MedGen C0027672, MeSH D009386, MONDO:0015356.
Familial adenomatous polyposis 1 (FAP1). Also called: FAMILIAL ADENOMATOUS POLYPOSIS 1, ATTENUATED; POLYPOSIS, ADENOMATOUS INTESTINAL. Identifiers: MedGen C2713442, MONDO:0021056, OMIM 175100. Disease mechanism: loss of function.

Submissions (4):

Labcorp Genetics (formerly Invitae), Labcorp
Classification: Uncertain significance for Familial adenomatous polyposis 1. Last evaluated: 2025-04-13. Review status: criteria provided, single submitter. Criteria: Invitae Variant Classification Sherloc (09022015). Collection method: clinical testing. Allele origin: germline.
Comment: This sequence change replaces serine, which is neutral and polar, with tyrosine, which is neutral and polar, at codon 1757 of the APC protein (p.Ser1757Tyr). This variant is not present in population databases (gnomAD no frequency). This variant has not been reported in the literature in individuals affected with APC-related conditions. ClinVar contains an entry for this variant (Variation ID: 1746513). Invitae Evidence Modeling of protein sequence and biophysical properties (such as structural, functional, and spatial information, amino acid conservation, physicochemical variation, residue mobility, and thermodynamic stability) indicates that this missense variant is not expected to disrupt APC protein function with a negative predictive value of 95%. In summary, the available evidence is currently insufficient to determine the role of this variant in disease. Therefore, it has been classified as a Variant of Uncertain Significance.

Baylor Genetics
Classification: Uncertain significance for Familial adenomatous polyposis 1. Last evaluated: 2024-03-01. Review status: criteria provided, single submitter. Criteria: ACMG Guidelines, 2015. Collection method: clinical testing. Allele origin: unknown.

GeneDx
Classification: Uncertain significance. Last evaluated: 2022-12-19. Review status: criteria provided, single submitter. Criteria: GeneDx Variant Classification Process June 2021. Collection method: clinical testing. Allele origin: germline. Affected: yes.
Comment: Not observed at significant frequency in large population cohorts (gnomAD); In silico analysis supports that this missense variant does not alter protein structure/function; Has not been previously published as pathogenic or benign to our knowledge; This variant is associated with the following publications: (PMID: 18199528)

Ambry Genetics
Classification: Uncertain significance for Hereditary cancer-predisposing syndrome. Last evaluated: 2022-09-27. Review status: criteria provided, single submitter. Criteria: Ambry Variant Classification Scheme 2023. Collection method: clinical testing. Allele origin: germline.
Comment: The p.S1757Y variant (also known as c.5270C>A), located in coding exon 15 of the APC gene, results from a C to A substitution at nucleotide position 5270. The serine at codon 1757 is replaced by tyrosine, an amino acid with dissimilar properties. This amino acid position is conserved. In addition, in silico predictors for this gene do not accurately predict pathogenicity. Since supporting evidence is limited at this time, the clinical significance of this alteration remains unclear.